The following is an entry in ClinVar:

NM_198578.4(LRRK2):c.2400C>A (p.Asn800Lys)

Gene: LRRK2 (leucine rich repeat kinase 2; plus strand). Cytogenetic location: 12q12.
Variant type: single nucleotide variant.
Coding change: c.2400C>A on transcript NM_198578.4 (MANE Select); coding-DNA position 2400, C replaced by A.
Protein change: p.Asn800Lys; replaces asparagine 800 with lysine.
Molecular consequence: missense variant.
Genome position (GRCh38, 1-based): chr12:40,284,033, C>A. VCF-style: chr12-40284033-C-A. GRCh37 (hg19) VCF-style: chr12-40677835-C-A.
Other names: short protein forms N800K.
Identifiers: ClinVar variation 1790731 (VCV001790731.2), dbSNP rs2499664934, ClinGen allele CA384406935.

ClinVar aggregate classification (germline): Uncertain significance (1 of 4 stars; one submission).

Conditions:
Inborn genetic diseases. Identifiers: MedGen C0950123, MeSH D030342.

Submission:

Ambry Genetics
Classification: Uncertain significance for Inborn genetic diseases. Last evaluated: 2022-10-15. Review status: criteria provided, single submitter. Criteria: Ambry Variant Classification Scheme 2023. Collection method: clinical testing. Allele origin: germline.
Comment: The p.N800K variant (also known as c.2400C>A), located in coding exon 19 of the LRRK2 gene, results from a C to A substitution at nucleotide position 2400. The asparagine at codon 800 is replaced by lysine, an amino acid with similar properties. This amino acid position is conserved. In addition, this alteration is predicted to be tolerated by in silico analysis. Since supporting evidence is limited at this time, the clinical significance of this alteration remains unclear.